The following is an entry in ClinVar:

ClinVar aggregate classification (germline): Uncertain significance (1 of 4 stars; one submission).

Submission:

Labcorp Genetics (formerly Invitae), Labcorp
Classification: Uncertain significance. Last evaluated: 2025-12-29. Review status: criteria provided, single submitter. Criteria: Invitae Variant Classification Sherloc (09022015). Collection method: clinical testing. Allele origin: germline.
Comment: This sequence change replaces arginine, which is basic and polar, with cysteine, which is neutral and slightly polar, at codon 403 of the CFP protein (p.Arg403Cys). The frequency data for this variant in the population databases is considered unreliable, as metrics indicate poor data quality at this position in the gnomAD database. This variant has not been reported in the literature in individuals affected with CFP-related conditions. Invitae Evidence Modeling of protein sequence and biophysical properties (such as structural, functional, and spatial information, amino acid conservation, physicochemical variation, residue mobility, and thermodynamic stability) indicates that this missense variant is expected to disrupt CFP protein function with a positive predictive value of 80%. In summary, the available evidence is currently insufficient to determine the role of this variant in disease. Therefore, it has been classified as a Variant of Uncertain Significance.

NM_001145252.3(CFP):c.1207C>T (p.Arg403Cys)

Gene: CFP (complement factor properdin; minus strand). Cytogenetic location: Xp11.23.
Variant type: single nucleotide variant.
Coding change: c.1207C>T on transcript NM_001145252.3 (MANE Select); coding-DNA position 1207, C replaced by T.
Protein change: p.Arg403Cys; replaces arginine 403 with cysteine.
Molecular consequence: missense variant.
Genome position (GRCh38, 1-based): chrX:47,626,095, G>A on the plus strand (C>T on the coding strand, the complement: CFP is on the minus strand). VCF-style: chrX-47626095-G-A. GRCh37 (hg19) VCF-style: chrX-47485494-G-A.
Other names: c.1207C>T, p.Arg403Cys (NM_002621.2); short protein forms R403C.
Identifiers: ClinVar variation 4692760 (VCV004692760.1).